The following is an entry in ClinVar:

ClinVar aggregate classification (germline): Pathogenic (1 of 4 stars; one submission).

Conditions:
LAMA2-related muscular dystrophy (LAMA2-RD). Also called: Laminin alpha 2-related dystrophy. Identifiers: MedGen C5679788, MONDO:0100228.

Allele frequency attached by ClinVar (database versions not stated): gnomAD exomes below 0.00001.

Submission:

Labcorp Genetics (formerly Invitae), Labcorp
Classification: Pathogenic for LAMA2-related muscular dystrophy. Last evaluated: 2022-10-29. Review status: criteria provided, single submitter. Criteria: Invitae Variant Classification Sherloc (09022015). Collection method: clinical testing. Allele origin: germline.
Comment: This sequence change creates a premature translational stop signal (p.Trp2685Metfs*6) in the LAMA2 gene. It is expected to result in an absent or disrupted protein product. Loss-of-function variants in LAMA2 are known to be pathogenic (PMID: 18700894, 32904964). This variant is not present in population databases (gnomAD no frequency). This variant has not been reported in the literature in individuals affected with LAMA2-related conditions. For these reasons, this variant has been classified as Pathogenic.

Literature cited by the submitters: PubMed 18700894; PubMed 32904964.

NM_000426.4(LAMA2):c.8052dup (p.Trp2685fs)

Gene: LAMA2 (laminin subunit alpha 2; plus strand). Cytogenetic location: 6q22.33.
Variant type: Duplication.
Coding change: c.8052dup on transcript NM_000426.4 (MANE Select); coding-DNA position 8052, one base duplicated (A; older notation c.8052dupA).
Protein change: p.Trp2685fs; shifts the reading frame from tryptophan 2685.
Molecular consequence: frameshift variant.
Genome position (GRCh38, 1-based): chr6:129,492,054, A duplicated. VCF-style (leftmost placement, unchanged base first): chr6-129492053-T-TA. GRCh37 (hg19) VCF-style: chr6-129813198-T-TA.
Other names: c.8040dup, p.Trp2681fs (NM_001079823.2); short protein forms W2685fs, W2681fs.
Identifiers: ClinVar variation 2810506 (VCV002810506.3), dbSNP rs2533504504, ClinGen allele CA2680320804.
Genomic context (GRCh38, chr6:129,492,053, plus strand): 5'-GTGCTCCACCTGAATTTCAACCTTCCCCACTCAGAAATATTCCTCCTTTTGAAGGCTGCA[T>TA]ATGGAATCTTGTTATTAACTCTGTGTAAGTGGATCTCCTCATTACTACTACTAATTTTTT-3'